The following is an entry in ClinVar:

NM_022772.4(EPS8L2):c.2132G>T (p.Arg711Met)

Gene: EPS8L2 (EPS8 signaling adaptor L2; plus strand). Cytogenetic location: 11p15.5.
Variant type: single nucleotide variant.
Coding change: c.2132G>T on transcript NM_022772.4 (MANE Select); coding-DNA position 2132, G replaced by T.
Protein change: p.Arg711Met; replaces arginine 711 with methionine.
Molecular consequence: missense variant.
Genome position (GRCh38, 1-based): chr11:726,965, G>T. VCF-style: chr11-726965-G-T. GRCh37 (hg19) VCF-style: chr11-726965-G-T.
Other names: short protein forms R711M.
Identifiers: ClinVar variation 735367 (VCV000735367.13), dbSNP rs140464832, ClinGen allele CA5787924.

ClinVar aggregate classification (germline): Likely benign. Review status: criteria provided, multiple submitters, no conflicts (2 of 4 stars). 4 submissions from 4 submitters: Likely benign (3). 1 of the submissions does not count toward it. Last evaluated 2025-02-24.

Conditions:
EPS8L2-related disorder. Also called: EPS8L2-related condition.

Allele frequency attached by ClinVar (database versions not stated): ESP Exome Variant Server 0.00031; TOPMed 0.00048; 1000 Genomes Project 30x 0.00172; 1000 Genomes Project 0.00180.

Submissions (4):

Labcorp Genetics (formerly Invitae), Labcorp
Classification: Likely benign. Last evaluated: 2025-02-24. Review status: criteria provided, single submitter. Criteria: Invitae Variant Classification Sherloc (09022015). Collection method: clinical testing. Allele origin: germline.

Women's Health and Genetics/Laboratory Corporation of America, LabCorp
Classification: Likely benign. Last evaluated: 2024-11-05. Review status: criteria provided, single submitter. Criteria: LabCorp Variant Classification Summary - May 2015. Collection method: clinical testing. Allele origin: germline.
Comment: Variant summary: EPS8L2 c.2132G>T (p.Arg711Met) results in a non-conservative amino acid change in the encoded protein sequence. Three of five in-silico tools predict a benign effect of the variant on protein function. The variant allele was found at a frequency of 0.00075 in 249032 control chromosomes, predominantly at a frequency of 0.0054 within the South Asian subpopulation in the gnomAD database, including 1 homozygotes. The observed variant frequency within South Asian control individuals in the gnomAD database exceeds the estimated maximal expected allele frequency for a pathogenic variant in EPS8L2 causing Hearing Loss, Autosomal Recessive 106 phenotype. To our knowledge, no occurrence of c.2132G>T in individuals affected with Hearing Loss, Autosomal Recessive 106 and no experimental evidence demonstrating its impact on protein function have been reported. ClinVar contains an entry for this variant (Variation ID: 735367). Based on the evidence outlined above, the variant was classified as likely benign.

Breakthrough Genomics
Classification: Likely benign. Review status: criteria provided, single submitter. Criteria: ACMG Guidelines, 2015. Collection method: not provided. Allele origin: germline. Inheritance: Autosomal recessive inheritance. Affected: yes.

PreventionGenetics, part of Exact Sciences
Classification: Likely benign for EPS8L2-related condition. Last evaluated: 2020-05-07. Review status: no assertion criteria provided. Collection method: clinical testing. Allele origin: germline. Not counted in ClinVar's aggregate classification.
Comment: This variant is classified as likely benign based on ACMG/AMP sequence variant interpretation guidelines (Richards et al. 2015 PMID: 25741868, with internal and published modifications).